The following is an entry in ClinVar:

ClinVar aggregate classification (germline): Benign/Likely benign. Review status: criteria provided, multiple submitters, no conflicts (2 of 4 stars). 4 submissions from 3 submitters: Benign (2); Likely benign (1). 1 of the submissions does not count toward it. Last evaluated 2018-01-13.

Conditions:
KCNJ10-related disorder. Also called: KCNJ10-related disorders; KCNJ10-related condition. Identifiers: MedGen CN239321.
EAST syndrome (SESAMES). Also called: SEIZURES, SENSORINEURAL DEAFNESS, ATAXIA, IMPAIRED INTELLECTUAL DEVELOPMENT, AND ELECTROLYTE IMBALANCE. Identifiers: Orphanet 199343, MedGen C2748572, MONDO:0013005, OMIM 612780.
Autosomal recessive nonsyndromic hearing loss 4 (DFNB4). Also called: DEAFNESS, AUTOSOMAL RECESSIVE 4, WITH ENLARGED VESTIBULAR AQUEDUCT, DIGENIC; Deafness, autosomal recessive 4; Enlarged vestibular aqueduct, digenic; FOXI1-Related Pendred Syndrome; KCNJ10-Related Pendred Syndrome; NEUROSENSORY NONSYNDROMIC RECESSIVE DEAFNESS 4. Identifiers: Orphanet 90636, MedGen C3538946, MONDO:0010933, OMIM 600791.

Allele frequency attached by ClinVar (database versions not stated): gnomAD 0.00004 and 0.00156; TOPMed 0.00033; gnomAD exomes 0.00292; 1000 Genomes Project 30x 0.01109; 1000 Genomes Project 0.01198.
gnomAD v4.1: 234 of 152,894 alleles (0.15%); highest among the groups gnomAD compares: South Asian, 4.7%; 5 homozygotes.

Submissions (4):

Illumina Laboratory Services, Illumina
Classification: Benign for EAST syndrome. Last evaluated: 2018-01-13. Review status: criteria provided, single submitter. Criteria: ICSL Variant Classification Criteria 13 December 2019. Collection method: clinical testing. Allele origin: germline.
Comment: This variant was observed in the ICSL laboratory as part of a predisposition screen in an ostensibly healthy population. It had not been previously curated by ICSL or reported in the Human Gene Mutation Database (HGMD: prior to June 1st, 2018), and was therefore a candidate for classification through an automated scoring system. Utilizing variant allele frequency, disease prevalence and penetrance estimates, and inheritance mode, an automated score was calculated to assess if this variant is too frequent to cause the disease. Based on the score and internal cut-off values, a variant classified as benign is not then subjected to further curation. The score for this variant resulted in a classification of benign for this disease.

Illumina Laboratory Services, Illumina
Classification: Likely benign for Autosomal recessive nonsyndromic hearing loss 4. Last evaluated: 2018-01-13. Review status: criteria provided, single submitter. Criteria: ICSL Variant Classification Criteria 13 December 2019. Collection method: clinical testing. Allele origin: germline.
Comment: This variant was observed in the ICSL laboratory as part of a predisposition screen in an ostensibly healthy population. It had not been previously curated by ICSL or reported in the Human Gene Mutation Database (HGMD: prior to June 1st, 2018), and was therefore a candidate for classification through an automated scoring system. Utilizing variant allele frequency, disease prevalence and penetrance estimates, and inheritance mode, an automated score was calculated to assess if this variant is too frequent to cause the disease. Based on the score and internal cut-off values, a variant classified as likely benign is not then subjected to further curation. The score for this variant resulted in a classification of likely benign for this disease.

GeneDx
Classification: Benign. Last evaluated: 2014-03-26. Review status: criteria provided, single submitter. Criteria: GeneDx Variant Classification (06012015). Collection method: clinical testing. Allele origin: germline. Affected: yes.
Comment: This variant is considered likely benign or benign based on one or more of the following criteria: it is a conservative change, it occurs at a poorly conserved position in the protein, it is predicted to be benign by multiple in silico algorithms, and/or has population frequency not consistent with disease.

PreventionGenetics, part of Exact Sciences
Classification: Likely benign for KCNJ10-related condition. Last evaluated: 2022-11-28. Review status: no assertion criteria provided. Collection method: clinical testing. Allele origin: germline. Not counted in ClinVar's aggregate classification.
Comment: This variant is classified as likely benign based on ACMG/AMP sequence variant interpretation guidelines (Richards et al. 2015 PMID: 25741868, with internal and published modifications).

NM_002241.5(KCNJ10):c.-43G>A

Gene: KCNJ10 (potassium inwardly rectifying channel subfamily J member 10; minus strand). Cytogenetic location: 1q23.2.
Variant type: single nucleotide variant.
Coding change: c.-43G>A on transcript NM_002241.5 (MANE Select); 43 bases upstream of the start codon, G replaced by A.
Molecular consequence: 5 prime UTR variant.
Genome position (GRCh38, 1-based): chr1:160,070,064, C>T on the plus strand (G>A on the coding strand, the complement: KCNJ10 is on the minus strand). VCF-style: chr1-160070064-C-T. GRCh37 (hg19) VCF-style: chr1-160039854-C-T.
Identifiers: ClinVar variation 137982 (VCV000137982.7), dbSNP rs372841245, ClinGen allele CA291729.